The following is an entry in ClinVar:

ClinVar aggregate classification (germline): Uncertain significance (1 of 4 stars; one submission).

gnomAD v4.1: 4 of 1,614,028 alleles (0.00025%); highest among the groups gnomAD compares: Non-Finnish European, 0.00034%; no homozygotes.

Submission:

CeGaT Center for Human Genetics Tuebingen
Classification: Uncertain significance. Last evaluated: 2024-06-01. Review status: criteria provided, single submitter. Criteria: CeGaT Center For Human Genetics Tuebingen Variant Classification Criteria Version 2. Collection method: clinical testing. Allele origin: germline. Affected: yes. Observed: 1 variant allele.
Comment: SPEN: PM2, BP4

NM_015001.3(SPEN):c.7390G>A (p.Asp2464Asn)

Gene: SPEN (spen family transcriptional repressor; plus strand). Cytogenetic location: 1p36.13.
Variant type: single nucleotide variant.
Coding change: c.7390G>A on transcript NM_015001.3 (MANE Select); coding-DNA position 7390, G replaced by A.
Protein change: p.Asp2464Asn; replaces aspartic acid 2464 with asparagine.
Molecular consequence: missense variant.
Genome position (GRCh38, 1-based): chr1:15,933,630, G>A. VCF-style: chr1-15933630-G-A. GRCh37 (hg19) VCF-style: chr1-16260125-G-A.
Other names: short protein forms D2464N.
Identifiers: ClinVar variation 3250845 (VCV003250845.18), dbSNP rs1185220287.